The following is an entry in ClinVar:

ClinVar aggregate classification (germline): Uncertain significance (1 of 4 stars; one submission).

Conditions:
Inborn genetic diseases. Identifiers: MedGen C0950123, MeSH D030342.

Allele frequency attached by ClinVar (database versions not stated): gnomAD exomes 0.00001; TOPMed 0.00001.
gnomAD v4.1: 13 of 1,614,146 alleles (0.00081%); highest among the groups gnomAD compares: Non-Finnish European, 0.0011%; no homozygotes.

Submission:

Ambry Genetics
Classification: Uncertain significance for Inborn genetic diseases. Last evaluated: 2022-10-08. Review status: criteria provided, single submitter. Criteria: Ambry Variant Classification Scheme 2023. Collection method: clinical testing. Allele origin: germline.
Comment: The p.L552S variant (also known as c.1655T>C), located in coding exon 12 of the EPAS1 gene, results from a T to C substitution at nucleotide position 1655. The leucine at codon 552 is replaced by serine, an amino acid with dissimilar properties. This amino acid position is conserved. In addition, this alteration is predicted to be tolerated by in silico analysis. Since supporting evidence is limited at this time, the clinical significance of this alteration remains unclear.

NM_001430.5(EPAS1):c.1655T>C (p.Leu552Ser)

Gene: EPAS1 (endothelial PAS domain protein 1; plus strand). Cytogenetic location: 2p21.
Variant type: single nucleotide variant.
Coding change: c.1655T>C on transcript NM_001430.5 (MANE Select); coding-DNA position 1655, T replaced by C.
Protein change: p.Leu552Ser; replaces leucine 552 with serine.
Molecular consequence: missense variant.
Genome position (GRCh38, 1-based): chr2:46,380,327, T>C. VCF-style: chr2-46380327-T-C. GRCh37 (hg19) VCF-style: chr2-46607466-T-C.
Other names: short protein forms L552S.
Identifiers: ClinVar variation 1777343 (VCV001777343.2), dbSNP rs965217222, ClinGen allele CA46566498.
Genomic context (GRCh38, chr2:46,380,327, plus strand): 5'-ATATCCCCATGGACGGGGAAGACTTCCAGCTAAGCCCCATCTGCCCCGAGGAGCGGCTCT[T>C]GGCGGAGAACCCACAGTCCACCCCCCAGCACTGCTTCAGTGCCATGACAAACATCTTCCA-3'
Protein context (NP_001421.2, residues 542-562): LSPICPEERL[Leu552Ser]AENPQSTPQH